The following is an entry in ClinVar:

NM_003482.4(KMT2D):c.12438G>A (p.Gly4146=)

Gene: KMT2D (lysine methyltransferase 2D; minus strand). Cytogenetic location: 12q13.12.
Variant type: single nucleotide variant.
Coding change: c.12438G>A on transcript NM_003482.4 (MANE Select); coding-DNA position 12438, G replaced by A.
Protein change: p.Gly4146=; no amino-acid change (glycine 4146 retained).
Molecular consequence: synonymous variant.
Genome position (GRCh38, 1-based): chr12:49,032,267, C>T on the plus strand (G>A on the coding strand, the complement: KMT2D is on the minus strand). VCF-style: chr12-49032267-C-T. GRCh37 (hg19) VCF-style: chr12-49426050-C-T.
Identifiers: ClinVar variation 734475 (VCV000734475.18), dbSNP rs768440446, ClinGen allele CA6546210.
Genomic context (GRCh38, chr12:49,032,267, plus strand): 5'-ATTTTGCATGGGCCGCTCTAGCATGGGCTGTTGGGGGCCCAGAAGGTTCTGGGTCATGGA[C>T]CCAGGCTGATCCCCTAAGGAAACAGAGGGCTGAGCCAGCAGGTGGGGCACAGATGAGGCC-3'
Protein context (NP_003473.3, residues 4136-4156): QPSVSLGDQP[Gly4146=]SMTQNLLGPQ

ClinVar aggregate classification (germline): Likely benign. Review status: criteria provided, multiple submitters, no conflicts (2 of 4 stars). 3 submissions from 3 submitters: Likely benign (2). 1 of the submissions does not count toward it. Last evaluated 2025-08-01.

Conditions:
KMT2D-related disorder. Also called: KMT2D-Related Disorders.
Kabuki syndrome. Also called: Kabuki make-up syndrome; NIIKAWA-KUROKI SYNDROME. Identifiers: Orphanet 2322, MedGen C0796004, MONDO:0016512.

Allele frequency attached by ClinVar (database versions not stated): gnomAD 0.00001; gnomAD exomes 0.00002; ExAC 0.00003; TOPMed 0.00003.

Submissions (3):

CeGaT Center for Human Genetics Tuebingen
Classification: Likely benign. Last evaluated: 2025-08-01. Review status: criteria provided, single submitter. Criteria: CeGaT Center For Human Genetics Tuebingen Variant Classification Criteria Version 2. Collection method: clinical testing. Allele origin: germline. Affected: yes. Observed: 1 variant allele.
Comment: KMT2D: BP4, BP7

Labcorp Genetics (formerly Invitae), Labcorp
Classification: Likely benign for Kabuki syndrome. Last evaluated: 2024-09-29. Review status: criteria provided, single submitter. Criteria: Invitae Variant Classification Sherloc (09022015). Collection method: clinical testing. Allele origin: germline.

PreventionGenetics, part of Exact Sciences
Classification: Likely benign for KMT2D-related condition. Last evaluated: 2019-08-08. Review status: no assertion criteria provided. Collection method: clinical testing. Allele origin: germline. Not counted in ClinVar's aggregate classification.
Comment: This variant is classified as likely benign based on ACMG/AMP sequence variant interpretation guidelines (Richards et al. 2015 PMID: 25741868, with internal and published modifications).